The following is an entry in ClinVar:

ClinVar aggregate classification (germline): Conflicting classifications of pathogenicity. Review status: criteria provided, conflicting classifications (1 of 4 stars). 4 submissions from 4 submitters: Uncertain significance (1); Likely benign (3). Last evaluated 2025-10-12.

Conditions:
Autosomal dominant Alport syndrome (ATS3A). Also called: Alport syndrome dominant type; Renal failure and sensorineural hearing loss; ALPORT SYNDROME 3A, AUTOSOMAL DOMINANT. Identifiers: Orphanet 63, Orphanet 88918, MedGen C5882663, MONDO:0007086, OMIM 104200.
Hematuria, benign familial, 2 (BFH2). Identifiers: MedGen C5830421, MONDO:0958186, OMIM 620320.
Alport syndrome 3b, autosomal recessive. Identifiers: MedGen C5882699, MONDO:0957811, OMIM 620536.
COL4A3-related disorder. Also called: COL4A3-Related Disorders; COL4A3-related condition.

Allele frequency attached by ClinVar (database versions not stated): gnomAD exomes 0.00002; gnomAD 0.00003; TOPMed 0.00005; ExAC 0.00008; 1000 Genomes Project 0.00020; 1000 Genomes Project 30x 0.00031.
gnomAD v4.1: 30 of 1,613,758 alleles (0.0019%); highest among the groups gnomAD compares: Admixed American, 0.028%; no homozygotes.

Submissions (4):

PreventionGenetics, part of Exact Sciences
Classification: Likely benign for COL4A3-related condition. Last evaluated: 2025-10-12. Review status: criteria provided, single submitter. Criteria: ACMG Guidelines, 2015. Collection method: clinical testing. Allele origin: germline.
Comment: This variant is classified as likely benign based on ACMG/AMP sequence variant interpretation guidelines (Richards et al. 2015 PMID: 25741868, with internal and published modifications).

Labcorp Genetics (formerly Invitae), Labcorp
Classification: Likely benign. Last evaluated: 2025-10-01. Review status: criteria provided, single submitter. Criteria: Invitae Variant Classification Sherloc (09022015). Collection method: clinical testing. Allele origin: germline.

CeGaT Center for Human Genetics Tuebingen
Classification: Likely benign. Last evaluated: 2024-10-01. Review status: criteria provided, single submitter. Criteria: CeGaT Center For Human Genetics Tuebingen Variant Classification Criteria Version 2. Collection method: clinical testing. Allele origin: germline. Affected: yes. Observed: 1 variant allele.
Comment: COL4A3: BP4, BP7

Fulgent Genetics
Classification: Uncertain significance for Autosomal dominant Alport syndrome; Hematuria, benign familial, 2; Alport syndrome 3b, autosomal recessive. Last evaluated: 2024-05-23. Review status: criteria provided, single submitter. Criteria: ACMG Guidelines, 2015. Collection method: clinical testing. Allele origin: germline.

NM_000091.5(COL4A3):c.1515C>T (p.Gly505=)

Genes: COL4A3 (collagen type IV alpha 3 chain; plus strand), MFF-DT (MFF divergent transcript; minus strand). Cytogenetic location: 2q36.3.
Variant type: single nucleotide variant.
Coding change: c.1515C>T on transcript NM_000091.5 (MANE Select); coding-DNA position 1515, C replaced by T.
Protein change: p.Gly505=; no amino-acid change (glycine 505 retained).
Molecular consequence: synonymous variant.
Genome position (GRCh38, 1-based): chr2:227,269,920, C>T. VCF-style: chr2-227269920-C-T. GRCh37 (hg19) VCF-style: chr2-228134636-C-T.
Other names: c.1515C>T (NM_000091.4).
Identifiers: ClinVar variation 1145105 (VCV001145105.25), dbSNP rs200416402, ClinGen allele CA2146696.
Genomic context (GRCh38, chr2:227,269,920, plus strand): 5'-TTAGAGTTGGCGTTCAATGAGGAGTTAGTTAATAATTCGTTGATTTGCAGGAAGACAAGG[C>T]GCAGCTGGCTTGAAAGGAAGCCCAGGGTCCCCAGGAAATACAGGTCTTCCAGGATTTCCA-3'
Protein context (NP_000082.2, residues 495-515): HGVKGIPGRQ[Gly505=]AAGLKGSPGS